The following is an entry in ClinVar:

NM_152296.5(ATP1A3):c.1269C>T (p.Phe423=)

Gene: ATP1A3 (ATPase Na+/K+ transporting subunit alpha 3; minus strand). Cytogenetic location: 19q13.2.
Variant type: single nucleotide variant.
Coding change: c.1269C>T on transcript NM_152296.5 (MANE Select); coding-DNA position 1269, C replaced by T.
Protein change: p.Phe423=; no amino-acid change (phenylalanine 423 retained).
Molecular consequence: synonymous variant.
Genome position (GRCh38, 1-based): chr19:41,981,755, G>A on the plus strand (C>T on the coding strand, the complement: ATP1A3 is on the minus strand). VCF-style: chr19-41981755-G-A. GRCh37 (hg19) VCF-style: chr19-42485907-G-A.
Other names: c.1302C>T, p.Phe434= (NM_001256213.2); c.1308C>T, p.Phe436= (NM_001256214.2).
Identifiers: ClinVar variation 2887204 (VCV002887204.3), dbSNP rs1555863494, ClinGen allele CA507694889.

ClinVar aggregate classification (germline): Uncertain significance (1 of 4 stars; one submission).

Conditions:
Dystonia 12 (DYT12). Also called: DYT-ATP1A3; Rapid-Onset Dystonia-Parkinsonism (RDP). Identifiers: Orphanet 71517, MedGen C1868681, MONDO:0007496, OMIM 128235.

Allele frequency attached by ClinVar (database versions not stated): gnomAD exomes below 0.00001; TOPMed below 0.00001; gnomAD 0.00002.
gnomAD v4.1: 5 of 1,614,230 alleles (0.00031%); highest among the groups gnomAD compares: African/African-American, 0.0053%; no homozygotes.

Submission:

Labcorp Genetics (formerly Invitae), Labcorp
Classification: Uncertain significance for Dystonia 12. Last evaluated: 2023-07-17. Review status: criteria provided, single submitter. Criteria: Invitae Variant Classification Sherloc (09022015). Collection method: clinical testing. Allele origin: germline.
Comment: In summary, the available evidence is currently insufficient to determine the role of this variant in disease. Therefore, it has been classified as a Variant of Uncertain Significance. Algorithms developed to predict the effect of sequence changes on RNA splicing suggest that this variant may disrupt the consensus splice site. This variant has not been reported in the literature in individuals affected with ATP1A3-related conditions. This variant is present in population databases (no rsID available, gnomAD 0.01%). This sequence change affects codon 423 of the ATP1A3 mRNA. It is a 'silent' change, meaning that it does not change the encoded amino acid sequence of the ATP1A3 protein.